The following is an entry in ClinVar:

NM_025132.4(WDR19):c.1679G>A (p.Gly560Asp)

Gene: WDR19 (WD repeat domain 19; plus strand). Cytogenetic location: 4p14.
Variant type: single nucleotide variant.
Coding change: c.1679G>A on transcript NM_025132.4 (MANE Select); coding-DNA position 1679, G replaced by A.
Protein change: p.Gly560Asp; replaces glycine 560 with aspartic acid.
Molecular consequence: missense variant.
Genome position (GRCh38, 1-based): chr4:39,228,259, G>A. VCF-style: chr4-39228259-G-A. GRCh37 (hg19) VCF-style: chr4-39229879-G-A.
Other names: c.1199G>A, p.Gly400Asp (NM_001317924.2); short protein forms G400D, G560D.
Identifiers: ClinVar variation 1016909 (VCV001016909.6), dbSNP rs375777724, ClinGen allele CA95674054.

ClinVar aggregate classification (germline): Uncertain significance (1 of 4 stars; one submission).

Conditions:
Senior-Loken syndrome 8 (SLSN8). Identifiers: Orphanet 3156, MedGen C4225376, MONDO:0014579, OMIM 616307.
Asphyxiating thoracic dystrophy 5 (SRTD5). Also called: SHORT-RIB THORACIC DYSPLASIA 5 WITH OR WITHOUT POLYDACTYLY; SHORT-RIB THORACIC DYSPLASIA 5 WITHOUT POLYDACTYLY. Identifiers: Orphanet 474, MedGen C3280598, MONDO:0013717, OMIM 614376.

Allele frequency attached by ClinVar (database versions not stated): gnomAD exomes below 0.00001 and 0.00003; gnomAD 0.00001; TOPMed 0.00002; ESP Exome Variant Server 0.00008.
gnomAD v4.1: 47 of 1,613,338 alleles (0.0029%); highest among the groups gnomAD compares: Non-Finnish European, 0.004%; no homozygotes.

Submission:

Labcorp Genetics (formerly Invitae), Labcorp
Classification: Uncertain significance for Senior-Loken syndrome 8; Asphyxiating thoracic dystrophy 5. Last evaluated: 2022-07-12. Review status: criteria provided, single submitter. Criteria: Invitae Variant Classification Sherloc (09022015). Collection method: clinical testing. Allele origin: germline.
Comment: ClinVar contains an entry for this variant (Variation ID: 1016909). In summary, the available evidence is currently insufficient to determine the role of this variant in disease. Therefore, it has been classified as a Variant of Uncertain Significance. Algorithms developed to predict the effect of missense changes on protein structure and function are either unavailable or do not agree on the potential impact of this missense change (SIFT: "Deleterious"; PolyPhen-2: "Benign"; Align-GVGD: "Class C65"). This variant has not been reported in the literature in individuals affected with WDR19-related conditions. This variant is present in population databases (rs375777724, gnomAD 0.0009%). This sequence change replaces glycine, which is neutral and non-polar, with aspartic acid, which is acidic and polar, at codon 560 of the WDR19 protein (p.Gly560Asp).